The following is an entry in ClinVar:

ClinVar aggregate classification (germline): Uncertain significance (1 of 4 stars; one submission).

Conditions:
Intellectual developmental disorder, X-linked, syndromic, Raymond type. Also called: Syndromic X-linked intellectual disability Raymond type. Identifiers: MedGen C3275406, MONDO:0010427, OMIM 300799.

gnomAD v4.1: 2 of 1,210,782 alleles (0.00017%); highest among the groups gnomAD compares: Non-Finnish European, 0.00022%; no homozygotes.

Submission:

Labcorp Genetics (formerly Invitae), Labcorp
Classification: Uncertain significance for Intellectual developmental disorder, X-linked, syndromic, Raymond type. Last evaluated: 2020-11-05. Review status: criteria provided, single submitter. Criteria: Invitae Variant Classification Sherloc (09022015). Collection method: clinical testing. Allele origin: germline.
Comment: In summary, the available evidence is currently insufficient to determine the role of this variant in disease. Therefore, it has been classified as a Variant of Uncertain Significance. Algorithms developed to predict the effect of missense changes on protein structure and function (SIFT, PolyPhen-2, Align-GVGD) all suggest that this variant is likely to be disruptive, but these predictions have not been confirmed by published functional studies and their clinical significance is uncertain. This variant has not been reported in the literature in individuals with ZDHHC9-related conditions. This variant is not present in population databases (ExAC no frequency). This sequence change replaces tyrosine with cysteine at codon 205 of the ZDHHC9 protein (p.Tyr205Cys). The tyrosine residue is highly conserved and there is a large physicochemical difference between tyrosine and cysteine.

NM_016032.4(ZDHHC9):c.614A>G (p.Tyr205Cys)

Gene: ZDHHC9 (zDHHC palmitoyltransferase 9; minus strand). Cytogenetic location: Xq26.1.
Variant type: single nucleotide variant.
Coding change: c.614A>G on transcript NM_016032.4 (MANE Select); coding-DNA position 614, A replaced by G.
Protein change: p.Tyr205Cys; replaces tyrosine 205 with cysteine.
Molecular consequence: missense variant.
Genome position (GRCh38, 1-based): chrX:129,814,669, T>C on the plus strand (A>G on the coding strand, the complement: ZDHHC9 is on the minus strand). VCF-style: chrX-129814669-T-C. GRCh37 (hg19) VCF-style: chrX-128948645-T-C.
Other names: c.614A>G, p.Tyr205Cys (NM_001008222.3); short protein forms Y205C.
Identifiers: ClinVar variation 1052911 (VCV001052911.9), dbSNP rs2124105555, ClinGen allele CA414586051.